The following is an entry in ClinVar:

NM_024642.5(GALNT12):c.139G>T (p.Ala47Ser)

Gene: GALNT12 (polypeptide N-acetylgalactosaminyltransferase 12; plus strand). Cytogenetic location: 9q22.33.
Variant type: single nucleotide variant.
Coding change: c.139G>T on transcript NM_024642.5 (MANE Select); coding-DNA position 139, G replaced by T.
Protein change: p.Ala47Ser; replaces alanine 47 with serine.
Molecular consequence: missense variant.
Genome position (GRCh38, 1-based): chr9:98,807,837, G>T. VCF-style: chr9-98807837-G-T. GRCh37 (hg19) VCF-style: chr9-101570119-G-T.
Other names: short protein forms A47S.
Identifiers: ClinVar variation 1771743 (VCV001771743.4), dbSNP rs1376691635, ClinGen allele CA374222379.

ClinVar aggregate classification (germline): Uncertain significance. Review status: criteria provided, multiple submitters, no conflicts (2 of 4 stars). 2 submissions from 2 submitters: Uncertain significance (2). Last evaluated 2024-09-27.

Conditions:
Colorectal cancer, susceptibility to, 1. Also called: COLORECTAL ADENOMA AND CANCER, SUSCEPTIBILITY TO; COLORECTAL CANCER, SUSCEPTIBILITY TO, ON CHROMOSOME 9. Identifiers: MedGen C1837315, MONDO:0012132, OMIM 608812.

gnomAD v4.1: 2 of 1,015,748 alleles (0.0002%); highest among the groups gnomAD compares: Non-Finnish European, 0.00023%; no homozygotes.

Submissions (2):

Ambry Genetics
Classification: Uncertain significance. Last evaluated: 2024-09-27. Review status: criteria provided, single submitter. Criteria: Ambry Variant Classification Scheme 2023. Collection method: clinical testing. Allele origin: germline.
Comment: The p.A47S variant (also known as c.139G>T), located in coding exon 1 of the GALNT12 gene, results from a G to T substitution at nucleotide position 139. The alanine at codon 47 is replaced by serine, an amino acid with similar properties. This amino acid position is conserved. In addition, this alteration is predicted to be tolerated by in silico analysis. Since supporting evidence is limited at this time, the clinical significance of this alteration remains unclear.

Fulgent Genetics
Classification: Uncertain significance for Colorectal cancer, susceptibility to, 1. Last evaluated: 2024-03-17. Review status: criteria provided, single submitter. Criteria: ACMG Guidelines, 2015. Collection method: clinical testing. Allele origin: germline.